The following is an entry in ClinVar:

ClinVar aggregate classification (germline): Uncertain significance. Review status: criteria provided, multiple submitters, no conflicts (2 of 4 stars). 2 submissions from 2 submitters: Uncertain significance (2). Last evaluated 2023-08-10.

Conditions:
Charcot-Marie-Tooth disease recessive intermediate C. Also called: CHARCOT-MARIE-TOOTH NEUROPATHY, RECESSIVE INTERMEDIATE C. Identifiers: Orphanet 369867, MedGen C3809309, MONDO:0014154, OMIM 615376.
Neuronopathy, distal hereditary motor, autosomal recessive 4. Also called: Autosomal recessive lower motor neuron disease with childhood onset; NEUROPATHY, DISTAL HEREDITARY MOTOR, AUTOSOMAL RECESSIVE 4. Identifiers: Orphanet 206580, MedGen C1970211, MONDO:0012608, OMIM 611067.
Inborn genetic diseases. Identifiers: MedGen C0950123, MeSH D030342.

Allele frequency attached by ClinVar (database versions not stated): TOPMed 0.00001; ExAC 0.00005; 1000 Genomes Project 30x 0.00016; 1000 Genomes Project 0.00020.
gnomAD v4.1: 86 of 1,613,864 alleles (0.0053%); highest among the groups gnomAD compares: Middle Eastern, 0.13%; 1 homozygote.

Submissions (2):

Ambry Genetics
Classification: Uncertain significance for Inborn genetic diseases. Last evaluated: 2023-08-10. Review status: criteria provided, single submitter. Criteria: Ambry Variant Classification Scheme 2023. Collection method: clinical testing. Allele origin: germline.

Labcorp Genetics (formerly Invitae), Labcorp
Classification: Uncertain significance for Neuronopathy, distal hereditary motor, autosomal recessive 4; Charcot-Marie-Tooth disease recessive intermediate C. Last evaluated: 2022-03-30. Review status: criteria provided, single submitter. Criteria: Invitae Variant Classification Sherloc (09022015). Collection method: clinical testing. Allele origin: germline.
Comment: This sequence change replaces arginine, which is basic and polar, with histidine, which is basic and polar, at codon 144 of the PLEKHG5 protein (p.Arg144His). This variant is present in population databases (rs150152888, gnomAD 0.03%). This variant has not been reported in the literature in individuals affected with PLEKHG5-related conditions. ClinVar contains an entry for this variant (Variation ID: 646560). Algorithms developed to predict the effect of missense changes on protein structure and function are either unavailable or do not agree on the potential impact of this missense change (SIFT: "Deleterious"; PolyPhen-2: "Possibly Damaging"; Align-GVGD: "Class C0"). In summary, the available evidence is currently insufficient to determine the role of this variant in disease. Therefore, it has been classified as a Variant of Uncertain Significance.

NM_020631.6(PLEKHG5):c.431G>A (p.Arg144His)

Gene: PLEKHG5 (pleckstrin homology and RhoGEF domain containing G5; minus strand). Cytogenetic location: 1p36.31.
Variant type: single nucleotide variant.
Coding change: c.431G>A on transcript NM_020631.6 (MANE Select); coding-DNA position 431, G replaced by A.
Protein change: p.Arg144His; replaces arginine 144 with histidine.
Molecular consequence: missense variant.
Genome position (GRCh38, 1-based): chr1:6,474,459, C>T on the plus strand (G>A on the coding strand, the complement: PLEKHG5 is on the minus strand). VCF-style: chr1-6474459-C-T. GRCh37 (hg19) VCF-style: chr1-6534519-C-T.
Other names: c.542G>A, p.Arg181His (NM_001042663.3, NM_001265592.2); c.431G>A, p.Arg144His (NM_001042664.2, NM_001042665.2, NM_001265594.3 and 1 more transcripts); c.638G>A, p.Arg213His (NM_001265593.2); short protein forms R144H, R213H, R181H.
Identifiers: ClinVar variation 646560 (VCV000646560.8), dbSNP rs150152888, ClinGen allele CA561862.